The following is an entry in ClinVar:

ClinVar aggregate classification (germline): Uncertain significance. Review status: criteria provided, multiple submitters, no conflicts (2 of 4 stars). 2 submissions from 2 submitters: Uncertain significance (2). Last evaluated 2023-11-22.

Conditions:
Immunodeficiency 35 (IMD35). Also called: Susceptibility to infection due to TYK2 deficiency; TYK2 DEFICIENCY; HIES WITH ATYPICAL MYCOBACTERIOSIS, AUTOSOMAL RECESSIVE; HYPER-IgE SYNDROME WITH ATYPICAL MYCOBACTERIOSIS, AUTOSOMAL RECESSIVE. Identifiers: Orphanet 331226, MedGen C1969086, MONDO:0012682, OMIM 611521.

Allele frequency attached by ClinVar (database versions not stated): TOPMed 0.00002; gnomAD 0.00004 and 0.00005; gnomAD exomes 0.00004 and 0.00011; ExAC 0.00005; ESP Exome Variant Server 0.00016.
gnomAD v4.1: 165 of 1,555,038 alleles (0.011%); highest among the groups gnomAD compares: Middle Eastern, 0.033%; no homozygotes.

Submissions (2):

Labcorp Genetics (formerly Invitae), Labcorp
Classification: Uncertain significance for Immunodeficiency 35. Last evaluated: 2023-11-22. Review status: criteria provided, single submitter. Criteria: Invitae Variant Classification Sherloc (09022015). Collection method: clinical testing. Allele origin: germline.
Comment: This sequence change replaces arginine, which is basic and polar, with histidine, which is basic and polar, at codon 490 of the TYK2 protein (p.Arg490His). This variant is present in population databases (rs369615833, gnomAD 0.008%). This variant has not been reported in the literature in individuals affected with TYK2-related conditions. ClinVar contains an entry for this variant (Variation ID: 666127). Advanced modeling of protein sequence and biophysical properties (such as structural, functional, and spatial information, amino acid conservation, physicochemical variation, residue mobility, and thermodynamic stability) performed at Invitae indicates that this missense variant is not expected to disrupt TYK2 protein function with a negative predictive value of 80%. In summary, the available evidence is currently insufficient to determine the role of this variant in disease. Therefore, it has been classified as a Variant of Uncertain Significance.

Illumina Laboratory Services, Illumina
Classification: Uncertain significance for Immunodeficiency 35. Last evaluated: 2018-01-12. Review status: criteria provided, single submitter. Criteria: ICSL Variant Classification Criteria 13 December 2019. Collection method: clinical testing. Allele origin: germline.

NM_003331.5(TYK2):c.1469G>A (p.Arg490His)

Gene: TYK2 (tyrosine kinase 2; minus strand). Cytogenetic location: 19p13.2.
Variant type: single nucleotide variant.
Coding change: c.1469G>A on transcript NM_003331.5 (MANE Select); coding-DNA position 1469, G replaced by A.
Protein change: p.Arg490His; replaces arginine 490 with histidine.
Molecular consequence: missense variant.
Genome position (GRCh38, 1-based): chr19:10,362,556, C>T on the plus strand (G>A on the coding strand, the complement: TYK2 is on the minus strand). VCF-style: chr19-10362556-C-T. GRCh37 (hg19) VCF-style: chr19-10473232-C-T.
Other names: c.1469G>A (LRG_121t1); short protein forms R490H.
Identifiers: ClinVar variation 666127 (VCV000666127.10), dbSNP rs369615833, ClinGen allele CA9193417.